The following is an entry in ClinVar:

ClinVar aggregate classification (germline): Uncertain significance (1 of 4 stars; one submission).

Conditions:
Cardiovascular phenotype. Identifiers: MedGen CN230736.

gnomAD v4.1: 7 of 1,613,598 alleles (0.00043%); highest among the groups gnomAD compares: Non-Finnish European, 0.00025%; no homozygotes.

Submission:

Ambry Genetics
Classification: Uncertain significance for Cardiovascular phenotype. Last evaluated: 2025-04-11. Review status: criteria provided, single submitter. Criteria: Ambry Variant Classification Scheme 2023. Collection method: clinical testing. Allele origin: germline.
Comment: The p.R1395Q variant (also known as c.4184G>A), located in coding exon 34 of the CACNA1C gene, results from a G to A substitution at nucleotide position 4184. The arginine at codon 1395 is replaced by glutamine, an amino acid with highly similar properties. This amino acid position is highly conserved in available vertebrate species. In addition, this alteration is predicted to be deleterious by in silico analysis. Based on the available evidence, the clinical significance of this variant remains unclear.

NM_000719.7(CACNA1C):c.4184G>A (p.Arg1395Gln)

Gene: CACNA1C (calcium voltage-gated channel subunit alpha1 C; plus strand). Cytogenetic location: 12p13.33.
Variant type: single nucleotide variant.
Coding change: c.4184G>A on transcript NM_000719.7 (MANE Select); coding-DNA position 4184, G replaced by A.
Protein change: p.Arg1395Gln; replaces arginine 1395 with glutamine.
Molecular consequence: missense variant.
Genome position (GRCh38, 1-based): chr12:2,655,190, G>A. VCF-style: chr12-2655190-G-A. GRCh37 (hg19) VCF-style: chr12-2764356-G-A.
Other names: c.4328G>A, p.Arg1443Gln (NM_001129827.2, NM_199460.4); c.4250G>A, p.Arg1417Gln (NM_001129829.2); c.4184G>A, p.Arg1395Gln (NM_001129830.3, NM_001129833.2, NM_001129834.2 and 7 more transcripts); c.4268G>A, p.Arg1423Gln (NM_001129831.2); c.4244G>A, p.Arg1415Gln (NM_001129832.2); c.4235G>A, p.Arg1412Gln (NM_001129836.2); c.4151G>A, p.Arg1384Gln (NM_001129837.2, NM_001129838.2, NM_001129846.2 and 1 more transcripts); c.4145G>A, p.Arg1382Gln (NM_001129839.2); and 1 more; short protein forms R1392Q, R1382Q, R1415Q, R1423Q, R1384Q, R1395Q, R1412Q, R1417Q.
Identifiers: ClinVar variation 3994414 (VCV003994414.1).